The following is an entry in ClinVar:

NM_000075.4(CDK4):c.466C>T (p.Leu156=)

Gene: CDK4 (cyclin dependent kinase 4; minus strand). Cytogenetic location: 12q14.1.
Variant type: single nucleotide variant.
Coding change: c.466C>T on transcript NM_000075.4 (MANE Select); coding-DNA position 466, C replaced by T.
Protein change: p.Leu156=; no amino-acid change (leucine 156 retained).
Molecular consequence: synonymous variant.
Genome position (GRCh38, 1-based): chr12:57,750,979, G>A on the plus strand (C>T on the coding strand, the complement: CDK4 is on the minus strand). VCF-style: chr12-57750979-G-A. GRCh37 (hg19) VCF-style: chr12-58144762-G-A.
Identifiers: ClinVar variation 1742303 (VCV001742303.3), dbSNP rs2140386447, ClinGen allele CA480404439.

ClinVar aggregate classification (germline): Benign/Likely benign. Review status: criteria provided, multiple submitters, no conflicts (2 of 4 stars). 2 submissions from 2 submitters: Benign (1); Likely benign (1). Last evaluated 2024-09-25.

Conditions:
Hereditary cancer-predisposing syndrome. Also called: Hereditary Cancer Syndrome; Hereditary neoplastic syndrome; Neoplastic Syndromes, Hereditary; Tumor predisposition. Identifiers: Orphanet 140162, MedGen C0027672, MeSH D009386, MONDO:0015356.
Melanoma, cutaneous malignant, susceptibility to, 3. Also called: Cutaneous malignant melanoma 3. Identifiers: Orphanet 618, MedGen C1836892, MONDO:0012183, OMIM 609048.

Submissions (2):

Myriad Genetics, Inc.
Classification: Benign for Melanoma, cutaneous malignant, susceptibility to, 3. Last evaluated: 2024-09-25. Review status: criteria provided, single submitter. Criteria: Myriad Autosomal Dominant, Autosomal Recessive and X-Linked Classification Criteria (2023). Collection method: clinical testing. Allele origin: unknown.
Comment: This variant is considered benign. This variant is a silent/synonymous amino acid change and it is not expected to impact splicing.

Ambry Genetics
Classification: Likely benign for Hereditary cancer-predisposing syndrome. Last evaluated: 2015-10-22. Review status: criteria provided, single submitter. Criteria: Ambry Variant Classification Scheme 2023. Collection method: clinical testing. Allele origin: germline.